The following is an entry in ClinVar:

NM_005963.4(MYH1):c.3611T>C (p.Val1204Ala)

Genes: MYH1 (myosin heavy chain 1; minus strand), MYHAS (myosin heavy chain gene cluster antisense RNA; plus strand). Cytogenetic location: 17p13.1.
Variant type: single nucleotide variant.
Coding change: c.3611T>C on transcript NM_005963.4 (MANE Select); coding-DNA position 3611, T replaced by C.
Protein change: p.Val1204Ala; replaces valine 1204 with alanine.
Molecular consequence: missense variant.
Genome position (GRCh38, 1-based): chr17:10,501,237, A>G on the plus strand (T>C on the coding strand, the complement: MYH1 is on the minus strand). VCF-style: chr17-10501237-A-G. GRCh37 (hg19) VCF-style: chr17-10404554-A-G.
Other names: short protein forms V1204A.
Identifiers: ClinVar variation 4978742 (VCV004978742.1).

ClinVar aggregate classification (germline): Likely benign (1 of 4 stars; one submission).

Conditions:
MYH1-related disorder. Also called: MYH1-related condition.

gnomAD v4.1: 56 of 1,614,042 alleles (0.0035%); highest among the groups gnomAD compares: Admixed American, 0.093%; no homozygotes.

Submission:

PreventionGenetics, part of Exact Sciences
Classification: Likely benign for MYH1-related condition. Last evaluated: 2026-04-28. Review status: criteria provided, single submitter. Criteria: ACMG Guidelines, 2015. Collection method: clinical testing. Allele origin: germline.
Comment: This variant is classified as likely benign based on ACMG/AMP sequence variant interpretation guidelines (Richards et al. 2015 PMID: 25741868, with internal and published modifications).